The following is an entry in ClinVar:

NM_007294.4(BRCA1):c.134+11A>G

Gene: BRCA1 (BRCA1 DNA repair associated; minus strand). Cytogenetic location: 17q21.31.
Variant type: single nucleotide variant.
Coding change: c.134+11A>G on transcript NM_007294.4 (MANE Select); 11 bases into the intron after coding-DNA position 134, A replaced by G.
Molecular consequence: intron variant.
Genome position (GRCh38, 1-based): chr17:43,115,715, T>C on the plus strand (A>G on the coding strand, the complement: BRCA1 is on the minus strand). VCF-style: chr17-43115715-T-C. GRCh37 (hg19) VCF-style: chr17-41267732-T-C.
Other names: c.-8+11A>G (NM_001408458.1, NM_001408470.1, NM_001407848.1 and 47 more transcripts); c.-219+9562A>G (NM_001407967.1); c.-170+9562A>G (NM_001407959.1); c.-7-9182A>G (NM_001407931.1, NM_001407747.1, NM_001408511.1 and 2 more transcripts); c.-170+11A>G (NM_001407962.1, NM_001408512.1, NM_001408510.1 and 1 more transcripts); c.-55+11A>G (NM_001407885.1, NM_001407886.1, NM_001408509.1 and 52 more transcripts); c.-124+11A>G (NM_001407746.1, NM_001408468.1, NM_001407842.1 and 13 more transcripts); c.-8+8302A>G (NM_001408461.1, NM_001407738.1, NM_001407932.1 and 23 more transcripts); and 10 more.
Identifiers: ClinVar variation 865162 (VCV000865162.9), dbSNP rs2055240251, ClinGen allele CA916080980.

ClinVar aggregate classification (germline): Likely benign. Review status: criteria provided, multiple submitters, no conflicts (2 of 4 stars). 2 submissions from 2 submitters: Likely benign (2). Last evaluated 2022-05-07.

Conditions:
Hereditary breast ovarian cancer syndrome. Also called: Hereditary breast and/or ovarian cancer syndrome; BRCA1- and BRCA2-Associated Hereditary Breast and Ovarian Cancer; Hereditary breast and ovarian cancer syndrome; Hereditary breast and ovarian cancer; Hereditary breast and ovarian cancer syndrome (HBOC); Breast and ovarian cancer. Identifiers: Orphanet 145, MedGen C0677776, MeSH D061325, MONDO:0003582. Disease mechanism: loss of function.

Submissions (3):

Labcorp Genetics (formerly Invitae), Labcorp
Classification: Likely benign for Hereditary breast ovarian cancer syndrome. Last evaluated: 2022-05-07. Review status: criteria provided, single submitter. Criteria: Invitae Variant Classification Sherloc (09022015). Collection method: clinical testing. Allele origin: germline.

Women's Health and Genetics/Laboratory Corporation of America, LabCorp
Classification: Likely benign. Last evaluated: 2021-06-26. Review status: criteria provided, single submitter. Criteria: LabCorp Variant Classification Summary - May 2015. Collection method: clinical testing. Allele origin: germline.
Comment: Variant summary: BRCA1 c.134+11A>G alters a non-conserved nucleotide located close to a canonical splice site and therefore could affect mRNA splicing, leading to a significantly altered protein sequence. 4/4 computational tools predict no significant impact on normal splicing. However, these predictions have yet to be confirmed by functional studies. The variant was absent in 250082 control chromosomes. The available data on variant occurrences in the general population are insufficient to allow any conclusion about variant significance. To our knowledge, no occurrence of c.134+11A>G in individuals affected with Hereditary Breast And Ovarian Cancer Syndrome has been reported. At least one publication reports experimental evidence evaluating an impact on protein function. These results showed no damaging effect of this variant on homology directed repair (HDR) activity in the saturation genome editing (SGE) assay (Findly_2018). No clinical diagnostic laboratories have submitted clinical-significance assessments for this variant to ClinVar after 2014. Based on the evidence outlined above, the variant was classified as likely benign.

Brotman Baty Institute, University of Washington
No classification provided (evidence only). Condition: Breast-ovarian cancer, familial 1. Review status: no classification provided. Collection method: in vitro. Allele origin: not applicable. Functional consequence: functionally_normal. Not counted in ClinVar's aggregate classification.
ClinVar note: "not provided" was previously submitted as the classification for the variant. However, the classification appeared to be based only on an observation of functional data so it was converted to no classification on 2025-07-30.

Literature cited by the submitters: PubMed 30209399 (cited by Women's Health and Genetics/Laboratory Corporation of America, LabCorp).